The following is an entry in ClinVar:

NC_000012.11:g.(?_133233712)_(133254315_?)dup

Gene: POLE (DNA polymerase epsilon, catalytic subunit; minus strand). Cytogenetic location: 12q24.33.
Variant type: Duplication.
Identifiers: ClinVar variation 1449587 (VCV001449587.7).

ClinVar aggregate classification (germline): Likely pathogenic (1 of 4 stars; one submission).

Submission:

Labcorp Genetics (formerly Invitae), Labcorp
Classification: Likely pathogenic. Last evaluated: 2022-05-12. Review status: criteria provided, single submitter. Criteria: Invitae Variant Classification Sherloc (09022015). Collection method: clinical testing. Allele origin: germline.
Comment: This variant has not been reported in the literature in individuals affected with POLE-related conditions. This variant results in a copy number gain of the genomic region encompassing exon(s) 7-29 of the POLE gene. While the exact position of this variant cannot be determined from the data, sub-genic copy number gains are generally in tandem (PMID: 25640679). This variant is predicted to be out-of-frame, and may result in an absent or disrupted protein product. Loss-of-function variants in POLE are known to be pathogenic (PMID: 23230001, 25948378, 30503519). In summary, the currently available evidence indicates that the variant is pathogenic, but additional data are needed to prove that conclusively. Therefore, this variant has been classified as Likely Pathogenic.

Literature cited by the submitters: PubMed 25640679; PubMed 23230001; PubMed 25948378; PubMed 30503519.